The following is an entry in ClinVar:

ClinVar aggregate classification (germline): Uncertain significance (1 of 4 stars; one submission).

Conditions:
Congenital myopathy 4B, autosomal recessive. Also called: Nemaline myopathy 1, autosomal dominant or recessive. Identifiers: Orphanet 171433, Orphanet 171439, Orphanet 171881, MedGen C5829889, MONDO:0012239, OMIM 609284.
Congenital myopathy with fiber type disproportion. Also called: Congenital fiber-type disproportion myopathy; Congenital fiber-type disproportion. Identifiers: Orphanet 2020, MedGen C0546264, MONDO:0009711. Inheritance: all.

Allele frequency attached by ClinVar (database versions not stated): gnomAD 0.00001; gnomAD exomes 0.00001.
gnomAD v4.1: 4 of 1,612,556 alleles (0.00025%); highest among the groups gnomAD compares: Non-Finnish European, 0.00034%; no homozygotes.

Submission:

Labcorp Genetics (formerly Invitae), Labcorp
Classification: Uncertain significance for Congenital myopathy with fiber type disproportion; Congenital myopathy 4B, autosomal recessive. Last evaluated: 2023-06-12. Review status: criteria provided, single submitter. Criteria: Invitae Variant Classification Sherloc (09022015). Collection method: clinical testing. Allele origin: germline.
Comment: In summary, the available evidence is currently insufficient to determine the role of this variant in disease. Therefore, it has been classified as a Variant of Uncertain Significance. Algorithms developed to predict the effect of sequence changes on RNA splicing suggest that this variant may create or strengthen a splice site. This variant has not been reported in the literature in individuals affected with TPM3-related conditions. This variant is not present in population databases (gnomAD no frequency). This sequence change falls in intron 7 of the TPM3 gene. It does not directly change the encoded amino acid sequence of the TPM3 protein.

NM_152263.4(TPM3):c.705+12G>T

Gene: TPM3 (tropomyosin 3; minus strand). Cytogenetic location: 1q21.3.
Variant type: single nucleotide variant.
Coding change: c.705+12G>T on transcript NM_152263.4 (MANE Select); 12 bases into the intron after coding-DNA position 705, G replaced by T.
Molecular consequence: intron variant.
Genome position (GRCh38, 1-based): chr1:154,170,637, C>A on the plus strand (G>T on the coding strand, the complement: TPM3 is on the minus strand). VCF-style: chr1-154170637-C-A. GRCh37 (hg19) VCF-style: chr1-154143113-C-A.
Other names: c.705+12G>T (NM_001364679.2, NM_001364681.2, NM_001364680.2 and 1 more transcripts); c.396+12G>T (NM_001278188.2); c.594+12G>T (NM_001043351.2, NM_001043353.2, NM_001349679.2 and 4 more transcripts); c.532-168G>T (NM_001278190.2); c.324+12G>T (NM_001278191.2).
Identifiers: ClinVar variation 2941796 (VCV002941796.3), dbSNP rs1661469058, ClinGen allele CA1007912621.